The following is an entry in ClinVar:

NM_001267550.2(TTN):c.33535del (p.Glu11179fs)

Gene: TTN (titin; minus strand). Cytogenetic location: 2q31.2.
Variant type: Deletion.
Coding change: c.33535del on transcript NM_001267550.2 (MANE Select); coding-DNA position 33535, one base deleted (G; older notation c.33535delG).
Protein change: p.Glu11179fs; shifts the reading frame from glutamic acid 11179.
Molecular consequence: frameshift variant. On other transcripts: intron variant (3).
Genome position (GRCh38, 1-based): chr2:178,679,939, C deleted on the plus strand (G on the coding strand, the reverse complement: TTN is on the minus strand); the first of 2 consecutive C bases (chr2:178,679,939-178,679,940); deleting either gives the same sequence. VCF-style (leftmost placement, unchanged base first): chr2-178679938-TC-T. GRCh37 (hg19) VCF-style: chr2-179544665-TC-T.
Other names: c.32584del, p.Glu10862fs (NM_001256850.1); c.33534delG, p.Glu11179Serfs (NM_001267550.1); c.29803del, p.Glu9935fs (NM_133378.4); c.13283-37622del (NM_003319.4); c.13859-37622del (NM_133437.4); c.13658-37622del (NM_133432.3); short protein forms E10862fs, E11179fs, E9935fs.
Identifiers: ClinVar variation 1807506 (VCV001807506.2), dbSNP rs757135518, ClinGen allele CA1998322.

ClinVar aggregate classification (germline): Likely pathogenic. Review status: criteria provided, multiple submitters, no conflicts (2 of 4 stars). 2 submissions from 2 submitters: Likely pathogenic (2). Last evaluated 2025-08-13.

Conditions:
Dilated cardiomyopathy 1G (CMD1G). Identifiers: Orphanet 154, MedGen C1858763, MONDO:0011400, OMIM 604145.
Autosomal recessive limb-girdle muscular dystrophy type 2J (LGMDR10). Also called: MUSCULAR DYSTROPHY, LIMB-GIRDLE, AUTOSOMAL RECESSIVE 10; Limb-girdle muscular dystrophy, type 2J. Identifiers: Orphanet 140922, MedGen C1837342, MONDO:0012127, OMIM 608807.

Submissions (2):

Labcorp Genetics (formerly Invitae), Labcorp
Classification: Likely pathogenic for Dilated cardiomyopathy 1G; Autosomal recessive limb-girdle muscular dystrophy type 2J. Last evaluated: 2025-08-13. Review status: criteria provided, single submitter. Criteria: Invitae Variant Classification Sherloc (09022015). Collection method: clinical testing. Allele origin: germline.
Comment: This sequence change creates a premature translational stop signal (p.Glu11179Serfs*3) in the TTN gene. While this is not anticipated to result in nonsense mediated decay, it is expected to create a truncated TTN protein. The frequency data for this variant in the population databases is considered unreliable, as metrics indicate poor data quality at this position in the gnomAD database. This variant has not been reported in the literature in individuals affected with TTN-related conditions. ClinVar contains an entry for this variant (Variation ID: 1807506). Algorithms developed to predict the effect of sequence changes on RNA splicing suggest that this variant may disrupt the consensus splice site. This variant is located in the I band of TTN (PMID: 25589632). Truncating variants in this region have been reported in individuals affected with autosomal recessive centronuclear myopathy (PMID: 23975875, internal data). Truncating variants in this region have also been identified in individuals affected with autosomal dominant dilated cardiomyopathy and/or cardio-related conditions (PMID: 27869827, 32964742, internal data). In summary, the currently available evidence indicates that the variant is pathogenic, but additional data are needed to prove that conclusively. Therefore, this variant has been classified as Likely Pathogenic.

Athena Diagnostics
Classification: Likely pathogenic. Last evaluated: 2022-03-16. Review status: criteria provided, single submitter. Criteria: Athena Diagnostics Criteria. Collection method: clinical testing. Allele origin: unknown.
Comment: This variant is expected to result in the loss of a functional protein. The frequency of this variant in the general population is consistent with pathogenicity. This variant has been identified in at least one individual tested at Athena Diagnostics with clinical features associated with this gene. This variant occurs in the I-band of the TTN gene and is a frameshift variant in three main isoforms (major cardiac long isoform: NM_001256850.1, major skeletal muscle long isoform: NM_133378.4, and the inferred complete isoform: NM_001267550.1).

Literature cited by the submitters: PubMed 25589632 (cited by Labcorp Genetics (formerly Invitae), Labcorp); PubMed 23975875 (cited by Labcorp Genetics (formerly Invitae), Labcorp); PubMed 27869827 (cited by Labcorp Genetics (formerly Invitae), Labcorp); PubMed 32964742 (cited by Labcorp Genetics (formerly Invitae), Labcorp).